The following is an entry in ClinVar:

ClinVar aggregate classification (germline): Uncertain significance. Review status: criteria provided, multiple submitters, no conflicts (2 of 4 stars). 2 submissions from 2 submitters: Uncertain significance (2). Last evaluated 2025-08-20.

Conditions:
Inborn genetic diseases. Identifiers: MedGen C0950123, MeSH D030342.
COG1 congenital disorder of glycosylation (CDG2G). Also called: CONGENITAL DISORDER OF GLYCOSYLATION, TYPE IIg; CDG IIg; CDGII/COG1 CEREBROCOSTOMANDIBULAR-LIKE SYNDROME. Identifiers: Orphanet 263508, MedGen C2931011, MONDO:0012637, OMIM 611209.

Allele frequency attached by ClinVar (database versions not stated): gnomAD exomes 0.00001 and 0.00003; ExAC 0.00004; gnomAD 0.00007 and 0.00008; TOPMed 0.00011; ESP Exome Variant Server 0.00015.
gnomAD v4.1: 27 of 1,613,644 alleles (0.0017%); highest among the groups gnomAD compares: African/African-American, 0.024%; no homozygotes.

Submissions (2):

Ambry Genetics
Classification: Uncertain significance for Inborn genetic diseases. Last evaluated: 2025-08-20. Review status: criteria provided, single submitter. Criteria: Ambry Variant Classification Scheme 2023. Collection method: clinical testing. Allele origin: germline.

Labcorp Genetics (formerly Invitae), Labcorp
Classification: Uncertain significance for COG1 congenital disorder of glycosylation. Last evaluated: 2021-10-28. Review status: criteria provided, single submitter. Criteria: Invitae Variant Classification Sherloc (09022015). Collection method: clinical testing. Allele origin: germline.
Comment: This sequence change replaces alanine, which is neutral and non-polar, with threonine, which is neutral and polar, at codon 940 of the COG1 protein (p.Ala940Thr). This variant is present in population databases (rs144896007, gnomAD 0.02%). This variant has not been reported in the literature in individuals affected with COG1-related conditions. Algorithms developed to predict the effect of missense changes on protein structure and function output the following: SIFT: "Tolerated"; PolyPhen-2: "Benign"; Align-GVGD: "Class C0". The threonine amino acid residue is found in multiple mammalian species, which suggests that this missense change does not adversely affect protein function. In summary, the available evidence is currently insufficient to determine the role of this variant in disease. Therefore, it has been classified as a Variant of Uncertain Significance.

NM_018714.3(COG1):c.2818G>A (p.Ala940Thr)

Genes: VCF1 (VCP nuclear cofactor family member 1; minus strand), COG1 (component of oligomeric golgi complex 1; plus strand). Cytogenetic location: 17q25.1.
Variant type: single nucleotide variant.
Coding change: c.2818G>A on transcript NM_018714.3 (MANE Select); coding-DNA position 2818, G replaced by A.
Protein change: p.Ala940Thr; replaces alanine 940 with threonine.
Molecular consequence: missense variant. On other transcripts: 3 prime UTR variant (5).
Genome position (GRCh38, 1-based): chr17:73,208,326, G>A. VCF-style: chr17-73208326-G-A. GRCh37 (hg19) VCF-style: chr17-71204465-G-A.
Other names: c.*1203C>T (NM_001098832.2, NM_001289412.2, NM_032837.3); c.*1352C>T (NM_001289410.1, NM_001289411.1); c.2818G>A (NM_018714.2); short protein forms A940T.
Identifiers: ClinVar variation 1395330 (VCV001395330.4), dbSNP rs144896007, ClinGen allele CA8740678.